The following is an entry in ClinVar:

ClinVar aggregate classification (germline): Uncertain significance (1 of 4 stars; one submission).

Submission:

CeGaT Center for Human Genetics Tuebingen
Classification: Uncertain significance. Last evaluated: 2026-03-01. Review status: criteria provided, single submitter. Criteria: CeGaT Center For Human Genetics Tuebingen Variant Classification Criteria Version 2. Collection method: clinical testing. Allele origin: germline. Affected: yes. Observed: 1 variant allele.
Comment: ZFHX4: PM2, BP1

NM_024721.5(ZFHX4):c.6981G>C (p.Leu2327Phe)

Gene: ZFHX4 (zinc finger homeobox 4; plus strand). Cytogenetic location: 8q21.13.
Variant type: single nucleotide variant.
Coding change: c.6981G>C on transcript NM_024721.5 (MANE Select); coding-DNA position 6981, G replaced by C.
Protein change: p.Leu2327Phe; replaces leucine 2327 with phenylalanine.
Molecular consequence: missense variant.
Genome position (GRCh38, 1-based): chr8:76,853,902, G>C. VCF-style: chr8-76853902-G-C. GRCh37 (hg19) VCF-style: chr8-77766138-G-C.
Other names: c.6903G>C, p.Leu2301Phe (NM_001410934.1); short protein forms L2301F, L2327F.
Identifiers: ClinVar variation 4823701 (VCV004823701.4).